The following is an entry in ClinVar:

ClinVar aggregate classification (germline): Likely benign. Review status: criteria provided, multiple submitters, no conflicts (2 of 4 stars). 3 submissions from 3 submitters: Likely benign (2). 1 of the submissions does not count toward it. Last evaluated 2024-11-27.

Conditions:
POLR2A-related disorder. Also called: POLR2A-related condition.

Allele frequency attached by ClinVar (database versions not stated): gnomAD exomes 0.00018; ExAC 0.00054; gnomAD 0.00188; TOPMed 0.00199; 1000 Genomes Project 0.00200; 1000 Genomes Project 30x 0.00219; ESP Exome Variant Server 0.00223.

Submissions (3):

Blueprint Genetics
Classification: Likely benign. Last evaluated: 2024-11-27. Review status: criteria provided, single submitter. Criteria: ACMG Guidelines, 2015. Collection method: clinical testing. Allele origin: germline.

CeGaT Center for Human Genetics Tuebingen
Classification: Likely benign. Last evaluated: 2023-05-01. Review status: criteria provided, single submitter. Criteria: CeGaT Center For Human Genetics Tuebingen Variant Classification Criteria Version 2. Collection method: clinical testing. Allele origin: germline. Affected: yes. Observed: 1 variant allele.
Comment: POLR2A: BP4, BP7, BS1

PreventionGenetics, part of Exact Sciences
Classification: Benign for POLR2A-related condition. Last evaluated: 2020-01-17. Review status: no assertion criteria provided. Collection method: clinical testing. Allele origin: germline. Not counted in ClinVar's aggregate classification.
Comment: This variant is classified as benign based on ACMG/AMP sequence variant interpretation guidelines (Richards et al. 2015 PMID: 25741868, with internal and published modifications).

NM_000937.5(POLR2A):c.3018C>T (p.Pro1006=)

Gene: POLR2A (RNA polymerase II subunit A; plus strand). Cytogenetic location: 17p13.1.
Variant type: single nucleotide variant.
Coding change: c.3018C>T on transcript NM_000937.5 (MANE Select); coding-DNA position 3018, C replaced by T.
Protein change: p.Pro1006=; no amino-acid change (proline 1006 retained).
Molecular consequence: synonymous variant.
Genome position (GRCh38, 1-based): chr17:7,503,474, C>T. VCF-style: chr17-7503474-C-T. GRCh37 (hg19) VCF-style: chr17-7406793-C-T.
Other names: c.3018C>T (NM_000937.4).
Identifiers: ClinVar variation 2647350 (VCV002647350.26), dbSNP rs140294435, ClinGen allele CA8349871.